The following is an entry in ClinVar:

NM_000257.4(MYH7):c.1943C>T (p.Ser648Leu)

Gene: MYH7 (myosin heavy chain 7; minus strand). Cytogenetic location: 14q11.2.
Variant type: single nucleotide variant.
Coding change: c.1943C>T on transcript NM_000257.4 (MANE Select); coding-DNA position 1943, C replaced by T.
Protein change: p.Ser648Leu; replaces serine 648 with leucine.
Molecular consequence: missense variant.
Genome position (GRCh38, 1-based): chr14:23,427,253, G>A on the plus strand (C>T on the coding strand, the complement: MYH7 is on the minus strand). VCF-style: chr14-23427253-G-A. GRCh37 (hg19) VCF-style: chr14-23896462-G-A.
Other names: short protein forms S648L.
Identifiers: ClinVar variation 1445315 (VCV001445315.7), dbSNP rs2138671090, ClinGen allele CA389049480.

ClinVar aggregate classification (germline): Conflicting classifications of pathogenicity. Review status: criteria provided, conflicting classifications (1 of 4 stars). 2 submissions from 2 submitters: Likely pathogenic (1); Uncertain significance (1). Last evaluated 2025-12-12.

Conditions:
Hypertrophic cardiomyopathy. Also called: HYPERTROPHIC MYOCARDIOPATHY. Identifiers: Orphanet 217569, MedGen C0007194, MeSH D002312, MONDO:0005045, HP:0001639.
Dilated cardiomyopathy 1S (CMD1S). Identifiers: Orphanet 154, Orphanet 54260, MedGen C1834481, MONDO:0013262, OMIM 613426.

Submissions (2):

Human Genetics Bochum, Ruhr University Bochum
Classification: Likely pathogenic for Dilated cardiomyopathy 1S. Last evaluated: 2025-12-12. Review status: criteria provided, single submitter. Criteria: ACMG Guidelines, 2015. Collection method: clinical testing. Allele origin: germline. Affected: yes.
Comment: ACMG criteria used to clasify this variant: PM1, PP3_MOD, PM2_SUP, PP2_SUP

Labcorp Genetics (formerly Invitae), Labcorp
Classification: Uncertain significance for Hypertrophic cardiomyopathy. Last evaluated: 2021-12-02. Review status: criteria provided, single submitter. Criteria: Invitae Variant Classification Sherloc (09022015). Collection method: clinical testing. Allele origin: germline.
Comment: This missense change has been observed in individual(s) with left ventricular noncompaction (PMID: 26025024). In summary, the available evidence is currently insufficient to determine the role of this variant in disease. Therefore, it has been classified as a Variant of Uncertain Significance. This variant is found within a region of MYH7 between codons 181 and 937 that contains the majority of the myosin head domain. Missense variants in this region have been shown to be significantly overrepresented in individuals with hypertrophic cardiomyopathy (PMID: 27532257). Algorithms developed to predict the effect of missense changes on protein structure and function (SIFT, PolyPhen-2, Align-GVGD) all suggest that this variant is likely to be disruptive. This variant is not present in population databases (gnomAD no frequency). This sequence change replaces serine, which is neutral and polar, with leucine, which is neutral and non-polar, at codon 648 of the MYH7 protein (p.Ser648Leu).

Literature cited by the submitters: PubMed 26025024 (cited by Labcorp Genetics (formerly Invitae), Labcorp); PubMed 27532257 (cited by Labcorp Genetics (formerly Invitae), Labcorp).